The following is an entry in ClinVar:

NM_201525.4(ADGRG1):c.*1437A>G

Gene: ADGRG1 (adhesion G protein-coupled receptor G1; plus strand). Cytogenetic location: 16q21.
Variant type: single nucleotide variant.
Coding change: c.*1437A>G on transcript NM_201525.4 (MANE Select); 1437 bases downstream of the stop codon, A replaced by G.
Molecular consequence: 3 prime UTR variant.
Genome position (GRCh38, 1-based): chr16:57,665,019, A>G. VCF-style: chr16-57665019-A-G. GRCh37 (hg19) VCF-style: chr16-57698931-A-G.
Other names: c.*1437A>G (NM_001145770.3, NM_001145771.3, NM_001145772.3 and 25 more transcripts).
Identifiers: ClinVar variation 885981 (VCV000885981.5), dbSNP rs3180467, ClinGen allele CA14283803.

ClinVar aggregate classification (germline): Benign. Review status: criteria provided, multiple submitters, no conflicts (2 of 4 stars). 2 submissions from 2 submitters: Benign (2). Last evaluated 2018-01-12.

Conditions:
Bilateral frontoparietal polymicrogyria. Also called: CEREBELLAR ATAXIA WITH NEURONAL MIGRATION DEFECT; CORTICAL DYSPLASIA, COMPLEX, WITH OTHER BRAIN MALFORMATIONS 14A (BILATERAL FRONTOPARIETAL). Identifiers: Orphanet 101070, MedGen C1847352, MONDO:0011738, OMIM 606854.

Allele frequency attached by ClinVar (database versions not stated): gnomAD 0.47921 and 0.48609; gnomAD exomes 0.46262; TOPMed 0.50089; 1000 Genomes Project 30x 0.53170; 1000 Genomes Project 0.53854.
gnomAD v4.1: 74,040 of 152,292 alleles (49%); highest among the groups gnomAD compares: East Asian, 63%; 18,428 homozygotes.

Submissions (2):

Illumina Laboratory Services, Illumina
Classification: Benign for Bilateral frontoparietal polymicrogyria. Last evaluated: 2018-01-12. Review status: criteria provided, single submitter. Criteria: ICSL Variant Classification Criteria 13 December 2019. Collection method: clinical testing. Allele origin: germline.
Comment: This variant was observed in the ICSL laboratory as part of a predisposition screen in an ostensibly healthy population. It had not been previously curated by ICSL or reported in the Human Gene Mutation Database (HGMD: prior to June 1st, 2018), and was therefore a candidate for classification through an automated scoring system. Utilizing variant allele frequency, disease prevalence and penetrance estimates, and inheritance mode, an automated score was calculated to assess if this variant is too frequent to cause the disease. Based on the score and internal cut-off values, a variant classified as benign is not then subjected to further curation. The score for this variant resulted in a classification of benign for this disease.

Breakthrough Genomics
Classification: Benign. Review status: criteria provided, single submitter. Criteria: ACMG Guidelines, 2015. Collection method: not provided. Allele origin: germline. Inheritance: Autosomal recessive inheritance. Affected: yes.